The following is an entry in ClinVar:

NM_000548.5(TSC2):c.1340C>G (p.Ala447Gly)

Gene: TSC2 (TSC complex subunit 2; plus strand). Cytogenetic location: 16p13.3.
Variant type: single nucleotide variant.
Coding change: c.1340C>G on transcript NM_000548.5 (MANE Select); coding-DNA position 1340, C replaced by G.
Protein change: p.Ala447Gly; replaces alanine 447 with glycine.
Molecular consequence: missense variant.
Genome position (GRCh38, 1-based): chr16:2,062,579, C>G. VCF-style: chr16-2062579-C-G. GRCh37 (hg19) VCF-style: chr16-2112580-C-G.
Other names: c.1340C>G, p.Ala447Gly (NM_001114382.3, NM_001363528.2, NM_001370404.1 and 3 more transcripts); c.1229C>G, p.Ala410Gly (NM_001318827.2); c.1193C>G, p.Ala398Gly (NM_001318829.2); c.740C>G, p.Ala247Gly (NM_001318831.2); c.1373C>G, p.Ala458Gly (NM_001318832.2); short protein forms A447G, A247G, A398G, A458G, A410G.
Identifiers: ClinVar variation 535865 (VCV000535865.8), dbSNP rs45486591, ClinGen allele CA394322561.
Genomic context (GRCh38, chr16:2,062,579, plus strand): 5'-TCTCCTATAGAGCGCAGTCCATCCACCCGGCCAAGGACGGCTGGATTCAGAACCTGCAGG[C>G]GCTGATGGAGAGATTCTTCAGGTAGGGGGTCCTCTGTAGCCTTGCCTGGCACCTGGAGCC-3'
Protein context (NP_000539.2, residues 437-457): AKDGWIQNLQ[Ala447Gly]LMERFFRSES

ClinVar aggregate classification (germline): Uncertain significance (1 of 4 stars; one submission).

Conditions:
Tuberous sclerosis 2 (TSC2). Identifiers: Orphanet 805, MedGen C1860707, MONDO:0013199, OMIM 613254.

Submission:

Labcorp Genetics (formerly Invitae), Labcorp
Classification: Uncertain significance for Tuberous sclerosis 2. Last evaluated: 2017-08-01. Review status: criteria provided, single submitter. Criteria: Invitae Variant Classification Sherloc (09022015). Collection method: clinical testing. Allele origin: germline.
Comment: This variant has not been reported in the literature in individuals with TSC2-related disease. This variant is not present in population databases (ExAC no frequency). This sequence change replaces alanine with glycine at codon 447 of the TSC2 protein (p.Ala447Gly). The alanine residue is weakly conserved and there is a small physicochemical difference between alanine and glycine. In summary, the available evidence is currently insufficient to determine the role of this variant in disease. Therefore, it has been classified as a Variant of Uncertain Significance. Algorithms developed to predict the effect of missense changes on protein structure and function (SIFT, PolyPhen-2, Align-GVGD) all suggest that this variant is likely to be tolerated, but these predictions have not been confirmed by published functional studies and their clinical significance is uncertain.